The following is an entry in ClinVar:

NM_018972.4(GDAP1):c.674GAA[1] (p.Arg226del)

Gene: GDAP1 (ganglioside induced differentiation associated protein 1; plus strand). Cytogenetic location: 8q21.11.
Variant type: Microsatellite.
Coding change: c.674GAA[1] on transcript NM_018972.4 (MANE Select); one copy of the 3-base unit GAA starting at c.674; the reference has two copies in a row; one copy, 3 bases deleted.
Protein change: p.Arg226del; deletes arginine 226.
Molecular consequence: inframe deletion.
Genome position (GRCh38, 1-based): chr8:74,363,036-74,363,038, GAA deleted; deleting any 3 consecutive bases within chr8:74,363,031-74,363,038 gives the same sequence; the position shown is the placement nearest the transcript's 3' end. VCF-style (leftmost placement, unchanged base first): chr8-74363030-AAAG-A. GRCh37 (hg19) VCF-style: chr8-75275265-AAAG-A.
Other names: chr8-74363031-AAG-; p.Arg226del; c.470GAA[1], p.Arg158del (NM_001040875.4); c.347GAA[1], p.Arg117del (NM_001362929.2, NM_001362932.2); c.500GAA[1], p.Arg168del (NM_001362930.2); c.674GAA[1], p.Arg226del (NM_001362931.2); short protein forms R168del, R117del, R158del, R226del.
Identifiers: ClinVar variation 802415 (VCV000802415.23), dbSNP rs1586806238, ClinGen allele CA915945746.

ClinVar aggregate classification (germline): Conflicting classifications of pathogenicity. Review status: criteria provided, conflicting classifications (1 of 4 stars). 2 submissions from 2 submitters: Likely pathogenic (1); Uncertain significance (1). Last evaluated 2021-07-20.

Conditions:
Charcot-Marie-Tooth disease type 4A. Also called: Charcot-Marie-Tooth disease, demyelinating, autosomal recessive, type 4a. Identifiers: Orphanet 99948, MedGen C1859198, MONDO:0008961, OMIM 214400.
Charcot-Marie-Tooth disease axonal type 2K (CMT2K). Also called: Charcot-Marie-Tooth disease type 2K; CHARCOT-MARIE-TOOTH DISEASE, AXONAL, AUTOSOMAL RECESSIVE, TYPE 2K; CHARCOT-MARIE-TOOTH NEUROPATHY, AXONAL, TYPE 2K. Identifiers: Orphanet 101097, Orphanet 99944, MedGen C1842983, MONDO:0011916, OMIM 607831.

Submissions (2):

Laboratório de Neurologia Aplicada e Experimental, Faculdade de Medicina de Ribeirao Preto – Universidade de Sao Paulo
Classification: Likely pathogenic for Charcot-Marie-Tooth disease axonal type 2K. Last evaluated: 2021-07-20. Review status: criteria provided, single submitter. Criteria: ACMG Guidelines, 2015. Collection method: research. Allele origin: germline. Inheritance: Autosomal dominant inheritance. Affected: yes. Observed: 1 variant allele, 1 heterozygote.
Comment: This variant is not present in population databases (GnomAD and ABraOM), suggesting it is not a common benign variant in these populations. This variant deletes one amino acid of the GDAP1 protein, which is highly conserved across different species, but otherwise preserves the integrity of the reading frame. This variant is in an important functional domain of the protein (GST C-terminal). Additionally, two missense variant in the same amino acid (p.Arg226Ser and p. Arg226Lys) has been reported as pathogenic, both with autosomal dominant inheritance, in association with CMT2K or a demyelinating form (PMID: 22730194; PMID: 20685671; PMID: 26525999; PMID: 25429913). In summary, the p.Arg226del meets our criteria to be classified as likely pathogenic.

Mendelics
Classification: Uncertain significance for Charcot-Marie-Tooth disease type 4A. Last evaluated: 2019-05-28. Review status: criteria provided, single submitter. Criteria: Mendelics Assertion Criteria 2017. Collection method: clinical testing. Allele origin: unknown.

Literature cited by the submitters: PubMed 28236508 (cited by Laboratório de Neurologia Aplicada e Experimental, Faculdade de Medicina de Ribeirao Preto – Universidade de Sao Paulo); PubMed 32506583 (cited by Laboratório de Neurologia Aplicada e Experimental, Faculdade de Medicina de Ribeirao Preto – Universidade de Sao Paulo); PubMed 22730194 (cited by Laboratório de Neurologia Aplicada e Experimental, Faculdade de Medicina de Ribeirao Preto – Universidade de Sao Paulo); PubMed 20685671 (cited by Laboratório de Neurologia Aplicada e Experimental, Faculdade de Medicina de Ribeirao Preto – Universidade de Sao Paulo); PubMed 26525999 (cited by Laboratório de Neurologia Aplicada e Experimental, Faculdade de Medicina de Ribeirao Preto – Universidade de Sao Paulo); PubMed 25429913 (cited by Laboratório de Neurologia Aplicada e Experimental, Faculdade de Medicina de Ribeirao Preto – Universidade de Sao Paulo).